The following is an entry in ClinVar:

ClinVar aggregate classification (germline): Uncertain significance. Review status: criteria provided, multiple submitters, no conflicts (2 of 4 stars). 2 submissions from 2 submitters: Uncertain significance (2). Last evaluated 2025-08-27.

Conditions:
Glycine encephalopathy. Also called: Nonketotic hyperglycinemia; Non-ketotic hyperglycinemia. Identifiers: Orphanet 407, MedGen C0751748, MONDO:0011612, HP:0008288.
Inborn genetic diseases. Identifiers: MedGen C0950123, MeSH D030342.

Allele frequency attached by ClinVar (database versions not stated): gnomAD exomes below 0.00001 and 0.00001; TOPMed 0.00001.

Submissions (2):

Ambry Genetics
Classification: Uncertain significance for Inborn genetic diseases. Last evaluated: 2025-08-27. Review status: criteria provided, single submitter. Criteria: Ambry Variant Classification Scheme 2023. Collection method: clinical testing. Allele origin: germline.

Labcorp Genetics (formerly Invitae), Labcorp
Classification: Uncertain significance for Glycine encephalopathy. Last evaluated: 2022-07-12. Review status: criteria provided, single submitter. Criteria: Invitae Variant Classification Sherloc (09022015). Collection method: clinical testing. Allele origin: germline.
Comment: This sequence change replaces arginine, which is basic and polar, with cysteine, which is neutral and slightly polar, at codon 371 of the AMT protein (p.Arg371Cys). This variant is present in population databases (no rsID available, gnomAD 0.003%). This variant has not been reported in the literature in individuals affected with AMT-related conditions. ClinVar contains an entry for this variant (Variation ID: 1413810). Advanced modeling of protein sequence and biophysical properties (such as structural, functional, and spatial information, amino acid conservation, physicochemical variation, residue mobility, and thermodynamic stability) performed at Invitae indicates that this missense variant is not expected to disrupt AMT protein function. In summary, the available evidence is currently insufficient to determine the role of this variant in disease. Therefore, it has been classified as a Variant of Uncertain Significance.

NM_000481.4(AMT):c.1111C>T (p.Arg371Cys)

Gene: AMT (aminomethyltransferase; minus strand). Cytogenetic location: 3p21.31.
Variant type: single nucleotide variant.
Coding change: c.1111C>T on transcript NM_000481.4 (MANE Select); coding-DNA position 1111, C replaced by T.
Protein change: p.Arg371Cys; replaces arginine 371 with cysteine.
Molecular consequence: missense variant. On other transcripts: non-coding transcript variant (1).
Genome position (GRCh38, 1-based): chr3:49,417,641, G>A on the plus strand (C>T on the coding strand, the complement: AMT is on the minus strand). VCF-style: chr3-49417641-G-A. GRCh37 (hg19) VCF-style: chr3-49455074-G-A.
Other names: c.1111C>T (NM_000481.3); c.979C>T, p.Arg327Cys (NM_001164710.2); c.943C>T, p.Arg315Cys (NM_001164711.2); c.1111C>T, p.Arg371Cys (NM_001164712.2); short protein forms R315C, R327C, R371C.
Identifiers: ClinVar variation 1413810 (VCV001413810.4), dbSNP rs1200405341, ClinGen allele CA352788847.